The following is an entry in ClinVar:

ClinVar aggregate classification (germline): Pathogenic. Review status: reviewed by expert panel (3 of 4 stars). 5 submissions from 5 submitters: Pathogenic (1). 4 of the submissions do not count toward it. Last evaluated 2016-09-08.

Conditions:
Hereditary cancer-predisposing syndrome. Also called: Hereditary Cancer Syndrome; Hereditary neoplastic syndrome; Neoplastic Syndromes, Hereditary; Tumor predisposition. Identifiers: Orphanet 140162, MedGen C0027672, MeSH D009386, MONDO:0015356.
Hereditary breast ovarian cancer syndrome. Also called: Hereditary breast and ovarian cancer syndrome (HBOC); Hereditary breast and ovarian cancer syndrome; Hereditary breast and/or ovarian cancer syndrome; Breast and ovarian cancer; BRCA1- and BRCA2-Associated Hereditary Breast and Ovarian Cancer; Hereditary breast and ovarian cancer. Identifiers: Orphanet 145, MedGen C0677776, MeSH D061325, MONDO:0003582. Disease mechanism: loss of function.
Breast-ovarian cancer, familial, susceptibility to, 2 (BROVCA2). Also called: BRCA2 Hereditary Breast and Ovarian Cancer. Identifiers: Orphanet 145, MedGen C2675520, MONDO:0012933, OMIM 612555. Disease mechanism: loss of function.
Familial cancer of breast. Also called: Hereditary breast cancer; BREAST CANCER, FAMILIAL; hereditary breast carcinoma. Identifiers: Orphanet 227535, MedGen C0346153, MONDO:0016419, OMIM 114480. Disease mechanism: loss of function.

Submissions (5):

Evidence-based Network for the Interpretation of Germline Mutant Alleles (ENIGMA)
Classification: Pathogenic for Breast-ovarian cancer, familial, susceptibility to, 2. Last evaluated: 2016-09-08. Review status: reviewed by expert panel. Criteria: ENIGMA BRCA1/2 Classification Criteria (2015). Collection method: curation. Allele origin: germline.
Comment: Variant allele predicted to encode a truncated non-functional protein.

Ambry Genetics
Classification: Pathogenic for Hereditary cancer-predisposing syndrome. Last evaluated: 2026-02-03. Review status: criteria provided, single submitter. Criteria: Ambry Variant Classification Scheme 2023. Collection method: clinical testing. Allele origin: germline. Not counted in ClinVar's aggregate classification.
Comment: The c.8070_8071dupTT pathogenic mutation, located in coding exon 17 of the BRCA2 gene, results from a duplication of TT at nucleotide position 8070, causing a translational frameshift with a predicted alternate stop codon (p.S2691Ffs*4). This variant is considered to be rare based on population cohorts in the Genome Aggregation Database (gnomAD). This alteration is expected to result in loss of function by premature protein truncation or nonsense-mediated mRNA decay. As such, this alteration is interpreted as a disease-causing mutation.

Baylor Genetics
Classification: Pathogenic for Familial cancer of breast. Last evaluated: 2023-06-13. Review status: criteria provided, single submitter. Criteria: ACMG Guidelines, 2015. Collection method: clinical testing. Allele origin: unknown. Not counted in ClinVar's aggregate classification.

Labcorp Genetics (formerly Invitae), Labcorp
Classification: Pathogenic for Hereditary breast ovarian cancer syndrome. Last evaluated: 2022-08-23. Review status: criteria provided, single submitter. Criteria: Invitae Variant Classification Sherloc (09022015). Collection method: clinical testing. Allele origin: germline. Not counted in ClinVar's aggregate classification.
Comment: For these reasons, this variant has been classified as Pathogenic. ClinVar contains an entry for this variant (Variation ID: 52496). This variant is also known as 8298_8299dupTT. This premature translational stop signal has been observed in individual(s) with personal or family history of breast and/or ovarian cancer (PMID: 12955716). This variant is not present in population databases (gnomAD no frequency). This sequence change creates a premature translational stop signal (p.Ser2691Phefs*4) in the BRCA2 gene. It is expected to result in an absent or disrupted protein product. Loss-of-function variants in BRCA2 are known to be pathogenic (PMID: 20104584).

Consortium of Investigators of Modifiers of BRCA1/2 (CIMBA), c/o University of Cambridge
Classification: Pathogenic for Breast-ovarian cancer, familial, susceptibility to, 2. Last evaluated: 2015-10-02. Review status: criteria provided, single submitter. Criteria: CIMBA Mutation Classification guidelines May 2016. Collection method: clinical testing. Allele origin: germline. Not counted in ClinVar's aggregate classification.

Literature cited by the submitters: PubMed 12955716 (cited by Labcorp Genetics (formerly Invitae), Labcorp); PubMed 20104584 (cited by Labcorp Genetics (formerly Invitae), Labcorp).

NM_000059.4(BRCA2):c.8070_8071dup (p.Ser2691fs)

Gene: BRCA2 (BRCA2 DNA repair associated; plus strand). Cytogenetic location: 13q13.1.
Variant type: Duplication.
Coding change: c.8070_8071dup on transcript NM_000059.4 (MANE Select); coding-DNA positions 8070 to 8071, 2 bases duplicated (TT; older notation c.8070_8071dupTT).
Protein change: p.Ser2691fs; shifts the reading frame from serine 2691.
Molecular consequence: frameshift variant.
Genome position (GRCh38, 1-based): chr13:32,363,272-32,363,273, TT duplicated; duplicating any 2 consecutive bases within chr13:32,363,271-32,363,273 gives the same sequence; the c. name uses the placement nearest the transcript's 3' end. VCF-style (leftmost placement, unchanged base first): chr13-32363270-G-GTT. GRCh37 (hg19) VCF-style: chr13-32937407-G-GTT.
Other names: c.8070_8071dupTT (NM_000059.3); short protein forms S2691fs.
Identifiers: ClinVar variation 52496 (VCV000052496.13), dbSNP rs397507962, ClinGen allele CA025438.